The following is an entry in ClinVar:

ClinVar aggregate classification (germline): Pathogenic/Likely pathogenic. Review status: criteria provided, multiple submitters, no conflicts (2 of 4 stars). 7 submissions from 7 submitters: Pathogenic (1); Likely pathogenic (6). Last evaluated 2026-01-23.

Conditions:
SEC23B-related disorder. Also called: SEC23B-related condition; SEC23B-related disorders.
Congenital dyserythropoietic anemia, type II (CDAN2). Also called: DYSERYTHROPOIETIC ANEMIA, HEMPAS TYPE. Identifiers: Orphanet 98873, MedGen C1306589, MONDO:0009134, OMIM 224100.
Cowden syndrome 7 (CWS7). Identifiers: Orphanet 201, MedGen C4225179, MONDO:0014802, OMIM 616858.

Allele frequency attached by ClinVar (database versions not stated): gnomAD 0.00005; gnomAD exomes 0.00005; TOPMed 0.00005; ExAC 0.00007.
gnomAD v4.1: 93 of 1,614,078 alleles (0.0058%); highest among the groups gnomAD compares: Admixed American, 0.0067%; no homozygotes.

Submissions (7):

Labcorp Genetics (formerly Invitae), Labcorp
Classification: Pathogenic for Congenital dyserythropoietic anemia, type II; Cowden syndrome 7. Last evaluated: 2026-01-23. Review status: criteria provided, single submitter. Criteria: Invitae Variant Classification Sherloc (09022015). Collection method: clinical testing. Allele origin: germline.
Comment: This sequence change replaces arginine, which is basic and polar, with cysteine, which is neutral and slightly polar, at codon 701 of the SEC23B protein (p.Arg701Cys). This variant is present in population databases (rs201270568, gnomAD 0.01%). This missense change has been observed in individual(s) with clinical features of Cowden syndrome and/or dyserythropoietic anemia type 2 (PMID: 19621418, 20015893, 20381388, 26522472). ClinVar contains an entry for this variant (Variation ID: 1515145). Invitae Evidence Modeling of protein sequence and biophysical properties (such as structural, functional, and spatial information, amino acid conservation, physicochemical variation, residue mobility, and thermodynamic stability) indicates that this missense variant is expected to disrupt SEC23B protein function with a positive predictive value of 95%. For these reasons, this variant has been classified as Pathogenic.

GeneDx
Classification: Likely pathogenic. Last evaluated: 2025-05-21. Review status: criteria provided, single submitter. Criteria: GeneDx Variant Classification Process June 2021. Collection method: clinical testing. Allele origin: germline. Affected: yes.
Comment: Not observed at significant frequency in large population cohorts (gnomAD); In silico analysis supports that this missense variant has a deleterious effect on protein structure/function; This variant is associated with the following publications: (PMID: 34426522, 34958143, 22208203, 37507557, 30747246, 21850656, 26522472, 19621418, 20381388, 35820731, 20015893)

Revvity Omics, Revvity
Classification: Likely pathogenic. Last evaluated: 2025-04-03. Review status: criteria provided, single submitter. Criteria: ACMG Guidelines, 2015. Collection method: clinical testing. Allele origin: germline.

CeGaT Center for Human Genetics Tuebingen
Classification: Likely pathogenic. Last evaluated: 2025-04-01. Review status: criteria provided, single submitter. Criteria: CeGaT Center For Human Genetics Tuebingen Variant Classification Criteria Version 2. Collection method: clinical testing. Allele origin: germline. Affected: yes. Observed: 2 variant alleles.
Comment: SEC23B: PM2, PM5, PS4:Moderate, PP3

Fulgent Genetics
Classification: Likely pathogenic for Congenital dyserythropoietic anemia, type II; Cowden syndrome 7. Last evaluated: 2024-05-17. Review status: criteria provided, single submitter. Criteria: ACMG Guidelines, 2015. Collection method: clinical testing. Allele origin: germline.

Blueprint Genetics
Classification: Likely pathogenic for SEC23B-related disorders. Last evaluated: 2022-03-28. Review status: criteria provided, single submitter. Criteria: ACMG Guidelines, 2015. Collection method: clinical testing. Allele origin: germline. Affected: yes. Observed: 2 variant alleles.

Women's Health and Genetics/Laboratory Corporation of America, LabCorp
Classification: Likely pathogenic for SEC23B-Related Disorders. Last evaluated: 2022-03-09. Review status: criteria provided, single submitter. Criteria: LabCorp Variant Classification Summary - May 2015. Collection method: clinical testing. Allele origin: germline.
Comment: Variant summary: SEC23B c.2101C>T (p.Arg701Cys) results in a non-conservative amino acid change located in the Gelsolin-like domain (IPR007123) of the encoded protein sequence. Arg701 is thought to form critical catalytic interactions with GTP and the other COPII component Sar1 (Fermo_2010) and the introduction of a new Cys residue may modify the domain orientation through the formation of new disulfide bonds. Five of five in-silico tools predict a damaging effect of the variant on protein function. The variant allele was found at a frequency of 4.8e-05 in 251472 control chromosomes. This frequency is not significantly higher than expected for a pathogenic variant in SEC23B causing SEC23B-Related Disorders, allowing no conclusion about variant significance. c.2101C>T has been reported in the literature as a compound heterozygous genotype in individuals with Congenital Dyserythropoietic Anemia Type II (CDAII) (example, Bianchi_2009, Iolascon_2010, Fermo_2010) and continues to be cited by others (example, Punzo_2011, Zhang_2019). These data indicate that the variant is likely to be associated with disease. To our knowledge, no experimental evidence demonstrating an impact on protein function has been reported. No clinical diagnostic laboratories have submitted clinical-significance assessments for this variant to ClinVar after 2014. Based on the evidence outlined above, the variant was classified as likely pathogenic.

Literature cited by the submitters: PubMed 19621418 (cited by Labcorp Genetics (formerly Invitae), Labcorp and Women's Health and Genetics/Laboratory Corporation of America, LabCorp); PubMed 20015893 (cited by Labcorp Genetics (formerly Invitae), Labcorp and Women's Health and Genetics/Laboratory Corporation of America, LabCorp); PubMed 20381388 (cited by Labcorp Genetics (formerly Invitae), Labcorp and Women's Health and Genetics/Laboratory Corporation of America, LabCorp); PubMed 26522472 (cited by Labcorp Genetics (formerly Invitae), Labcorp); PubMed 22208203 (cited by Women's Health and Genetics/Laboratory Corporation of America, LabCorp).

NM_006363.6(SEC23B):c.2101C>T (p.Arg701Cys)

Gene: SEC23B (SEC23 homolog B, COPII component; plus strand). Cytogenetic location: 20p11.23.
Variant type: single nucleotide variant.
Coding change: c.2101C>T on transcript NM_006363.6 (MANE Select); coding-DNA position 2101, C replaced by T.
Protein change: p.Arg701Cys; replaces arginine 701 with cysteine.
Molecular consequence: missense variant.
Genome position (GRCh38, 1-based): chr20:18,554,343, C>T. VCF-style: chr20-18554343-C-T. GRCh37 (hg19) VCF-style: chr20-18534987-C-T.
Other names: c.2101C>T, p.Arg701Cys (NM_001172745.3, NM_032985.6, NM_032986.5); c.2047C>T, p.Arg683Cys (NM_001172746.3); short protein forms R683C, R701C.
Identifiers: ClinVar variation 1515145 (VCV001515145.31), dbSNP rs201270568, ClinGen allele CA9778590.